The following is an entry in ClinVar:

ClinVar aggregate classification (germline): Benign. Review status: reviewed by expert panel (3 of 4 stars). 23 submissions from 23 submitters: Benign (1). 22 of the submissions do not count toward it. Last evaluated 2015-01-12.

Conditions:
Fanconi anemia, complementation group S (FANCS). Identifiers: MedGen C4554406, MONDO:0054748, OMIM 617883.
Breast and/or ovarian cancer. Identifiers: MedGen CN221562.
Hereditary cancer-predisposing syndrome. Also called: Hereditary Cancer Syndrome; Tumor predisposition; Neoplastic Syndromes, Hereditary; Hereditary neoplastic syndrome. Identifiers: Orphanet 140162, MedGen C0027672, MeSH D009386, MONDO:0015356.
Hereditary breast ovarian cancer syndrome. Also called: Breast and ovarian cancer; BRCA1- and BRCA2-Associated Hereditary Breast and Ovarian Cancer; Hereditary breast and ovarian cancer; Hereditary breast and ovarian cancer syndrome (HBOC); Hereditary breast and ovarian cancer syndrome; Hereditary breast and/or ovarian cancer syndrome. Identifiers: Orphanet 145, MedGen C0677776, MeSH D061325, MONDO:0003582. Disease mechanism: loss of function.
Breast-ovarian cancer, familial, susceptibility to, 1 (BROVCA1). Also called: BRCA1 Hereditary Breast and Ovarian Cancer; OVARIAN CANCER, SUSCEPTIBILITY TO. Identifiers: Orphanet 145, MedGen C2676676, MONDO:0011450, OMIM 604370. Disease mechanism: loss of function.
Familial cancer of breast. Also called: BREAST CANCER, FAMILIAL; hereditary breast carcinoma; Hereditary breast cancer. Identifiers: Orphanet 227535, MedGen C0346153, MONDO:0016419, OMIM 114480. Disease mechanism: loss of function.

Allele frequency attached by ClinVar (database versions not stated): gnomAD 0.00161 and 0.00183; ESP Exome Variant Server 0.00208; TOPMed 0.00218; 1000 Genomes Project 0.00220; 1000 Genomes Project 30x 0.00250; gnomAD exomes 0.00043; ExAC 0.00049.
gnomAD v4.1: 543 of 1,614,178 alleles (0.034%); highest among the groups gnomAD compares: African/African-American, 0.61%; 1 homozygote.

Submissions (23):

Evidence-based Network for the Interpretation of Germline Mutant Alleles (ENIGMA)
Classification: Benign for Breast-ovarian cancer, familial 1. Last evaluated: 2015-01-12. Review status: reviewed by expert panel. Criteria: ENIGMA BRCA1/2 Classification Criteria (2015). Collection method: curation. Allele origin: germline.
Comment: Class 1 not pathogenic based on frequency >1% in an outbred sampleset. Frequency 0.01423 (African), derived from 1000 genomes (2012-04-30).

Labcorp Genetics (formerly Invitae), Labcorp
Classification: Benign for Hereditary breast ovarian cancer syndrome. Last evaluated: 2026-02-04. Review status: criteria provided, single submitter. Criteria: Invitae Variant Classification Sherloc (09022015). Collection method: clinical testing. Allele origin: germline. Not counted in ClinVar's aggregate classification.

Center for Genomic Medicine, Rigshospitalet, Copenhagen University Hospital
Classification: Benign. Last evaluated: 2025-12-29. Review status: criteria provided, single submitter. Criteria: ACMG Guidelines, 2015. Collection method: clinical testing. Allele origin: germline. Not counted in ClinVar's aggregate classification.
Comment: Classification criteria: BA1

Mayo Clinic Laboratories, Mayo Clinic
Classification: Benign. Last evaluated: 2024-10-29. Review status: criteria provided, single submitter. Criteria: ACMG Guidelines, 2015. Collection method: clinical testing. Allele origin: germline. Observed: 2 variant alleles. Not counted in ClinVar's aggregate classification.
Comment: BA1, BP1_strong

ARUP Laboratories, Molecular Genetics and Genomics, ARUP Laboratories
Classification: Benign. Last evaluated: 2024-10-23. Review status: criteria provided, single submitter. Criteria: ARUP Molecular Germline Variant Investigation Process 2024. Collection method: clinical testing. Allele origin: germline. Not counted in ClinVar's aggregate classification.

Blueprint Genetics
Classification: Likely benign. Last evaluated: 2024-09-06. Review status: criteria provided, single submitter. Criteria: ACMG Guidelines, 2015. Collection method: clinical testing. Allele origin: germline. Not counted in ClinVar's aggregate classification.

CeGaT Center for Human Genetics Tuebingen
Classification: Likely benign. Last evaluated: 2024-05-01. Review status: criteria provided, single submitter. Criteria: CeGaT Center For Human Genetics Tuebingen Variant Classification Criteria Version 2. Collection method: clinical testing. Allele origin: germline. Affected: yes. Observed: 2 variant alleles. Not counted in ClinVar's aggregate classification.
Comment: BRCA1: BP4, BP7

Department of Pathology and Laboratory Medicine, Sinai Health System
Classification: Benign for Fanconi anemia, complementation group S. Last evaluated: 2024-01-09. Review status: criteria provided, single submitter. Criteria: ACMG Guidelines, 2015. Collection method: clinical testing. Allele origin: germline. Affected: no. Not counted in ClinVar's aggregate classification.

CHEO Genetics Diagnostic Laboratory, Children's Hospital of Eastern Ontario
Classification: Likely benign for Breast and/or ovarian cancer. Last evaluated: 2022-07-05. Review status: criteria provided, single submitter. Criteria: ACMG Guidelines, 2015. Collection method: clinical testing. Allele origin: germline. Not counted in ClinVar's aggregate classification.

National Health Laboratory Service, Universitas Academic Hospital and University of the Free State
Classification: Benign for Hereditary breast ovarian cancer syndrome. Last evaluated: 2021-11-16. Review status: criteria provided, single submitter. Criteria: ACMG Guidelines, 2015. Collection method: clinical testing. Allele origin: germline. Affected: yes. Observed: 2 variant alleles. Not counted in ClinVar's aggregate classification.

Genetic Services Laboratory, University of Chicago
Classification: Benign. Last evaluated: 2021-02-15. Review status: criteria provided, single submitter. Criteria: ACMG Guidelines, 2015. Collection method: clinical testing. Allele origin: germline. Affected: no. Not counted in ClinVar's aggregate classification.

Sema4
Classification: Benign for Hereditary cancer-predisposing syndrome. Last evaluated: 2020-04-17. Review status: criteria provided, single submitter. Criteria: Sema4 Curation Guidelines. Collection method: curation. Allele origin: germline. Not counted in ClinVar's aggregate classification.

Baylor Genetics
Classification: Benign for Familial cancer of breast. Last evaluated: 2017-02-23. Review status: criteria provided, single submitter. Criteria: ACMG Guidelines, 2015. Collection method: clinical testing. Allele origin: germline. Inheritance: Autosomal dominant inheritance. Affected: no. Not counted in ClinVar's aggregate classification.

Institute for Biomarker Research, Medical Diagnostic Laboratories, L.L.C.
Classification: Likely benign for Hereditary breast and ovarian cancer syndrome(HBOC). Last evaluated: 2017-02-14. Review status: criteria provided, single submitter. Criteria: ACMG Guidelines, 2015. Collection method: clinical testing. Allele origin: germline. Not counted in ClinVar's aggregate classification.

Molecular Genetics Laboratory, University of Michigan
Classification: Benign for Breast-ovarian cancer, familial, susceptibility to, 1. Last evaluated: 2016-04-21. Review status: criteria provided, single submitter. Criteria: ACMG Guidelines, 2015. Collection method: clinical testing. Allele origin: germline. Affected: yes. Not counted in ClinVar's aggregate classification.

Clinical Genetics DNA and cytogenetics Diagnostics Lab, Erasmus MC, Erasmus Medical Center
Classification: Likely benign for Breast-ovarian cancer, familial, susceptibility to, 1. Last evaluated: 2015-09-21. Review status: criteria provided, single submitter. Criteria: ACGS Guidelines, 2013. Collection method: clinical testing. Allele origin: germline. Affected: yes. Study: VKGL Data-share Consensus. Not counted in ClinVar's aggregate classification.

Color Diagnostics, LLC DBA Color Health
Classification: Benign for Hereditary cancer-predisposing syndrome. Last evaluated: 2015-09-21. Review status: criteria provided, single submitter. Criteria: ACMG Guidelines, 2015. Collection method: clinical testing. Allele origin: germline. Not counted in ClinVar's aggregate classification.

Ambry Genetics
Classification: Benign for Hereditary cancer-predisposing syndrome. Last evaluated: 2014-11-18. Review status: criteria provided, single submitter. Criteria: Ambry Variant Classification Scheme 2023. Collection method: clinical testing. Allele origin: germline. Not counted in ClinVar's aggregate classification.

Eurofins Ntd Llc (ga)
Classification: Benign. Last evaluated: 2014-07-21. Review status: criteria provided, single submitter. Criteria: EGL Classification Definitions 2015. Collection method: clinical testing. Allele origin: germline. Observed: 3 variant alleles, 3 heterozygotes. Not counted in ClinVar's aggregate classification.

GeneDx
Classification: Benign. Last evaluated: 2014-03-05. Review status: criteria provided, single submitter. Criteria: GeneDx Variant Classification (06012015). Collection method: clinical testing. Allele origin: germline. Affected: yes. Not counted in ClinVar's aggregate classification.
Comment: This variant is considered likely benign or benign based on one or more of the following criteria: it is a conservative change, it occurs at a poorly conserved position in the protein, it is predicted to be benign by multiple in silico algorithms, and/or has population frequency not consistent with disease.

Counsyl
Classification: Likely benign for Breast-ovarian cancer, familial 1. Last evaluated: 2015-02-21. Review status: no assertion criteria provided. Collection method: literature only. Allele origin: unknown. Inheritance: Autosomal dominant inheritance. Not counted in ClinVar's aggregate classification.

Breast Cancer Information Core (BIC) (BRCA1)
No classification provided. Condition: Breast-ovarian cancer, familial 1. Review status: no classification provided. Collection method: clinical testing. Allele origin: germline. Affected: yes. Observed: 4 variant alleles. Not counted in ClinVar's aggregate classification.

Clinical Genetics Laboratory, Department of Pathology, Netherlands Cancer Institute
Classification: Benign. Review status: no assertion criteria provided. Collection method: clinical testing. Allele origin: germline. Affected: yes. Study: VKGL Data-share Consensus. Not counted in ClinVar's aggregate classification.

Literature cited by the submitters: PubMed 12491487 (cited by Department of Pathology and Laboratory Medicine, Sinai Health System and Counsyl); PubMed 22034289 (cited by Department of Pathology and Laboratory Medicine, Sinai Health System and Counsyl); PubMed 20104584 (cited by Department of Pathology and Laboratory Medicine, Sinai Health System and Counsyl); DOI 10.3389/fgene.2022.834265 (cited by National Health Laboratory Service, Universitas Academic Hospital and University of the Free State); PubMed 15744044 (cited by Counsyl).

NM_007294.4(BRCA1):c.2814A>G (p.Pro938=)

Gene: BRCA1 (BRCA1 DNA repair associated; minus strand). Cytogenetic location: 17q21.31.
Variant type: single nucleotide variant.
Coding change: c.2814A>G on transcript NM_007294.4 (MANE Select); coding-DNA position 2814, A replaced by G.
Protein change: p.Pro938=; no amino-acid change (proline 938 retained).
Molecular consequence: synonymous variant. On other transcripts: intron variant (137).
Genome position (GRCh38, 1-based): chr17:43,092,717, T>C on the plus strand (A>G on the coding strand, the complement: BRCA1 is on the minus strand). VCF-style: chr17-43092717-T-C. GRCh37 (hg19) VCF-style: chr17-41244734-T-C.
Other names: 2933A/G; P938P; p.P938P:CCA>CCG; 2933 A>G; NP_009225.1:p.Pro938=; c.2601A>G, p.Pro867= (NM_001407571.1, NM_001407853.1, NM_001407894.1 and 9 more transcripts); c.2814A>G, p.Pro938= (NM_001407581.1, NM_001407582.1, NM_001407583.1 and 30 more transcripts); c.2811A>G, p.Pro937= (NM_001407587.1, NM_001407590.1, NM_001407591.1 and 22 more transcripts); and 46 more.
Identifiers: ClinVar variation 54688 (VCV000054688.78), dbSNP rs80356851, ClinGen allele CA001845.